The following is an entry in ClinVar:

ClinVar aggregate classification (germline): Uncertain significance (1 of 4 stars; one submission).

Allele frequency attached by ClinVar (database versions not stated): ExAC 0.00001; gnomAD 0.00001.
gnomAD v4.1: 3 of 1,612,468 alleles (0.00019%); highest among the groups gnomAD compares: African/African-American, 0.0027%; no homozygotes.

Submission:

GeneDx
Classification: Uncertain significance. Last evaluated: 2019-05-07. Review status: criteria provided, single submitter. Criteria: GeneDx Variant Classification Process June 2021. Collection method: clinical testing. Allele origin: germline. Affected: yes.
Comment: Not observed at a significant frequency in large population cohorts (Lek et al., 2016); Missense variant in a gene in which most reported pathogenic variants are truncating/loss-of-function; Has not been previously published as pathogenic or benign to our knowledge

NM_001267550.2(TTN):c.21665C>G (p.Thr7222Ser)

Gene: TTN (titin; minus strand). Cytogenetic location: 2q31.2.
Variant type: single nucleotide variant.
Coding change: c.21665C>G on transcript NM_001267550.2 (MANE Select); coding-DNA position 21665, C replaced by G.
Protein change: p.Thr7222Ser; replaces threonine 7222 with serine.
Molecular consequence: missense variant. On other transcripts: intron variant (3).
Genome position (GRCh38, 1-based): chr2:178,723,435, G>C on the plus strand (C>G on the coding strand, the complement: TTN is on the minus strand). VCF-style: chr2-178723435-G-C. GRCh37 (hg19) VCF-style: chr2-179588162-G-C.
Other names: c.20714C>G, p.Thr6905Ser (NM_001256850.1); c.17933C>G, p.Thr5978Ser (NM_133378.4); c.13282+14647C>G (NM_003319.4); c.13858+14647C>G (NM_133437.4); c.13657+14647C>G (NM_133432.3); short protein forms T5978S, T6905S, T7222S.
Identifiers: ClinVar variation 1302096 (VCV001302096.2), dbSNP rs776840421, ClinGen allele CA2000985.